The following is an entry in ClinVar:

NM_016642.4(SPTBN5):c.10755C>T (p.Ser3585=)

Gene: SPTBN5 (spectrin beta, non-erythrocytic 5; minus strand). Cytogenetic location: 15q15.1.
Variant type: single nucleotide variant.
Coding change: c.10755C>T on transcript NM_016642.4 (MANE Select); coding-DNA position 10755, C replaced by T.
Protein change: p.Ser3585=; no amino-acid change (serine 3585 retained).
Molecular consequence: synonymous variant.
Genome position (GRCh38, 1-based): chr15:41,851,139, G>A on the plus strand (C>T on the coding strand, the complement: SPTBN5 is on the minus strand). VCF-style: chr15-41851139-G-A. GRCh37 (hg19) VCF-style: chr15-42143337-G-A.
Identifiers: ClinVar variation 3057542 (VCV003057542.2), dbSNP rs372580131, ClinGen allele CA7500800.
Genomic context (GRCh38, chr15:41,851,139, plus strand): 5'-CCTGCCGTGGCGGCCCCGCAGCCTCTCACACCGGGCTCCCGTGAGGTCAAGGAGGGCTAT[G>A]GAAGCTACTTTCTGAGGAGAGATGAGAGGCAGGGGTCACTGCGGCCATCTCAGCTTTTCC-3'
Protein context (NP_057726.4, residues 3575-3595): DERMAAEKVA[Ser3585=]IALLDLTGAR

ClinVar aggregate classification (germline): Likely benign (0 of 4 stars; one submission).

Conditions:
SPTBN5-related disorder. Also called: SPTBN5-related condition.

Allele frequency attached by ClinVar (database versions not stated): gnomAD 0.00004; ExAC 0.00005; TOPMed 0.00006; gnomAD exomes 0.00007; ESP Exome Variant Server 0.00016.
gnomAD v4.1: 108 of 1,613,042 alleles (0.0067%); highest among the groups gnomAD compares: Non-Finnish European, 0.0087%; no homozygotes.

Submission:

PreventionGenetics, part of Exact Sciences
Classification: Likely benign for SPTBN5-related condition. Last evaluated: 2019-04-10. Review status: no assertion criteria provided. Collection method: clinical testing. Allele origin: germline.
Comment: This variant is classified as likely benign based on ACMG/AMP sequence variant interpretation guidelines (Richards et al. 2015 PMID: 25741868, with internal and published modifications).